The following is an entry in ClinVar:

NM_001904.4(CTNNB1):c.2260C>G (p.Pro754Ala)

Gene: CTNNB1 (catenin beta 1; plus strand). Cytogenetic location: 3p22.1.
Variant type: single nucleotide variant.
Coding change: c.2260C>G on transcript NM_001904.4 (MANE Select); coding-DNA position 2260, C replaced by G.
Protein change: p.Pro754Ala; replaces proline 754 with alanine.
Molecular consequence: missense variant.
Genome position (GRCh38, 1-based): chr3:41,239,256, C>G. VCF-style: chr3-41239256-C-G. GRCh37 (hg19) VCF-style: chr3-41280747-C-G.
Other names: c.2260C>G, p.Pro754Ala (NM_001098209.2, NM_001098210.2); c.2239C>G, p.Pro747Ala (NM_001330729.2); short protein forms P754A, P747A.
Identifiers: ClinVar variation 2772218 (VCV002772218.3), dbSNP rs2470865652, ClinGen allele CA352237519.

ClinVar aggregate classification (germline): Uncertain significance (1 of 4 stars; one submission).

Submission:

Labcorp Genetics (formerly Invitae), Labcorp
Classification: Uncertain significance. Last evaluated: 2023-10-28. Review status: criteria provided, single submitter. Criteria: Invitae Variant Classification Sherloc (09022015). Collection method: clinical testing. Allele origin: germline.
Comment: This sequence change replaces proline, which is neutral and non-polar, with alanine, which is neutral and non-polar, at codon 754 of the CTNNB1 protein (p.Pro754Ala). This variant is not present in population databases (gnomAD no frequency). This variant has not been reported in the literature in individuals affected with CTNNB1-related conditions. An algorithm developed to predict the effect of missense changes on protein structure and function (PolyPhen-2) suggests that this variant is likely to be tolerated. In summary, the available evidence is currently insufficient to determine the role of this variant in disease. Therefore, it has been classified as a Variant of Uncertain Significance.